The following is an entry in ClinVar:

ClinVar aggregate classification (germline): Uncertain significance (1 of 4 stars; one submission).

Allele frequency attached by ClinVar (database versions not stated): gnomAD 0.00004; TOPMed 0.00005.
gnomAD v4.1: 160 of 1,354,840 alleles (0.012%); highest among the groups gnomAD compares: Non-Finnish European, 0.016%; no homozygotes.

Submission:

Labcorp Genetics (formerly Invitae), Labcorp
Classification: Uncertain significance. Last evaluated: 2024-09-23. Review status: criteria provided, single submitter. Criteria: Invitae Variant Classification Sherloc (09022015). Collection method: clinical testing. Allele origin: germline.
Comment: This sequence change replaces leucine, which is neutral and non-polar, with arginine, which is basic and polar, at codon 293 of the LMX1B protein (p.Leu293Arg). This variant is present in population databases (rs762956079, gnomAD 0.006%). This variant has not been reported in the literature in individuals affected with LMX1B-related conditions. ClinVar contains an entry for this variant (Variation ID: 2163254). Invitae Evidence Modeling of protein sequence and biophysical properties (such as structural, functional, and spatial information, amino acid conservation, physicochemical variation, residue mobility, and thermodynamic stability) indicates that this missense variant is not expected to disrupt LMX1B protein function with a negative predictive value of 80%. In summary, the available evidence is currently insufficient to determine the role of this variant in disease. Therefore, it has been classified as a Variant of Uncertain Significance.

NM_001174147.2(LMX1B):c.878T>G (p.Leu293Arg)

Gene: LMX1B (LIM homeobox transcription factor 1 beta; plus strand). Cytogenetic location: 9q33.3.
Variant type: single nucleotide variant.
Coding change: c.878T>G on transcript NM_001174147.2 (MANE Select); coding-DNA position 878, T replaced by G.
Protein change: p.Leu293Arg; replaces leucine 293 with arginine.
Molecular consequence: missense variant.
Genome position (GRCh38, 1-based): chr9:126,693,804, T>G. VCF-style: chr9-126693804-T-G. GRCh37 (hg19) VCF-style: chr9-129456083-T-G.
Other names: c.878T>G, p.Leu293Arg (NM_001174146.2, NM_002316.4); short protein forms L293R.
Identifiers: ClinVar variation 2163254 (VCV002163254.4), dbSNP rs762956079, ClinGen allele CA5242456.